The following is an entry in ClinVar:

ClinVar aggregate classification (germline): Conflicting classifications of pathogenicity. Review status: criteria provided, conflicting classifications (1 of 4 stars). 6 submissions from 6 submitters: Uncertain significance (5); Likely benign (1). Last evaluated 2025-07-29.

Conditions:
Catecholaminergic polymorphic ventricular tachycardia 1. Also called: VENTRICULAR TACHYCARDIA, CATECHOLAMINERGIC POLYMORPHIC, 1, WITH OR WITHOUT ATRIAL DYSFUNCTION AND/OR DILATED CARDIOMYOPATHY; VENTRICULAR TACHYCARDIA, STRESS-INDUCED POLYMORPHIC 1; RYR2-Related Catecholaminergic Polymorphic Ventricular Tachycardia. Identifiers: Orphanet 3286, MedGen C1631597, MONDO:0011484, OMIM 604772.
Arrhythmogenic right ventricular dysplasia 2. Identifiers: MedGen C1832931.
Ventricular arrhythmias due to cardiac ryanodine receptor calcium release deficiency syndrome. Also called: Autosomal dominant cardiac arrhythmia (Kuhn). Identifiers: MedGen C5542154, MONDO:0020745, OMIM 115000.
Catecholaminergic polymorphic ventricular tachycardia (CVPT). Also called: Catecholamine-induced polymorphic ventricular tachycardia. Identifiers: Orphanet 3286, MedGen C5574922, MONDO:0017990.
Cardiovascular phenotype. Identifiers: MedGen CN230736.
Cardiomyopathy (CMYO). Also called: Cardiomyopathies. Identifiers: Orphanet 167848, MedGen C0878544, MONDO:0004994, HP:0001638. Inheritance: Various modes of inheritance.

Allele frequency attached by ClinVar (database versions not stated): gnomAD exomes 0.00001 and 0.00002; ExAC 0.00002; gnomAD 0.00002; TOPMed 0.00002.
gnomAD v4.1: 24 of 1,613,546 alleles (0.0015%); highest among the groups gnomAD compares: African/African-American, 0.0053%; no homozygotes.

Submissions (6):

Color Diagnostics, LLC DBA Color Health
Classification: Uncertain significance for Cardiomyopathy. Last evaluated: 2025-07-29. Review status: criteria provided, single submitter. Criteria: ACMG Guidelines, 2015. Collection method: clinical testing. Allele origin: germline.
Comment: This missense variant replaces serine with leucine at codon 406 of the RYR2 protein. Computational prediction is inconclusive regarding the impact of this variant on protein structure and function. A functional study using a human stem cell-based model has shown that this variant affects calcium channel function, causing reduced sarcoplasmic reticulum Ca2+ content, delayed after-depolarization, and increased frequency and duration of Ca2+ release (PMID: 22174035). This variant has been reported in an individual affected with catecholaminergic polymorphic ventricular tachycardia (PMID: 22174035). This variant has been identified in 6/280428 chromosomes in the general population by the Genome Aggregation Database (gnomAD). The available evidence is insufficient to determine the role of this variant in disease conclusively. Therefore, this variant is classified as a Variant of Uncertain Significance.

Labcorp Genetics (formerly Invitae), Labcorp
Classification: Likely benign for Catecholaminergic polymorphic ventricular tachycardia 1. Last evaluated: 2024-12-18. Review status: criteria provided, single submitter. Criteria: Invitae Variant Classification Sherloc (09022015). Collection method: clinical testing. Allele origin: germline.

Ambry Genetics
Classification: Uncertain significance for Cardiovascular phenotype. Last evaluated: 2024-11-21. Review status: criteria provided, single submitter. Criteria: Ambry Variant Classification Scheme 2023. Collection method: clinical testing. Allele origin: germline.
Comment: The p.S406L variant (also known as c.1217C>T), located in coding exon 14 of the RYR2 gene, results from a C to T substitution at nucleotide position 1217. The serine at codon 406 is replaced by leucine, an amino acid with dissimilar properties. Studies performed on patient iPSC-derived cardiomyocytes have suggested this variant may impact calcium handling (Jung CB et al. EMBO Mol Med, 2012 Mar;4:180-91). This amino acid position is highly conserved in available vertebrate species. In addition, this alteration is predicted to be deleterious by in silico analysis. Based on the available evidence, the clinical significance of this variant remains unclear.

All of Us Research Program, National Institutes of Health
Classification: Uncertain significance for Catecholaminergic polymorphic ventricular tachycardia. Last evaluated: 2023-12-18. Review status: criteria provided, single submitter. Criteria: ACMG Guidelines, 2015. Collection method: clinical testing. Allele origin: germline. Inheritance: Autosomal dominant inheritance. Observed: 7 variant alleles, 7 heterozygotes.
Comment: This missense variant replaces serine with leucine at codon 406 of the RYR2 protein. Computational prediction is inconclusive regarding the impact of this variant on protein structure and function (internally defined REVEL score threshold 0.5 < inconclusive < 0.7, PMID: 27666373). A functional study using a human stem cell-based model has shown that this variant affects calcium channel function, causing reduced sarcoplasmic reticulum Ca2+ content, delayed after-depolarization, and increased frequency and duration of Ca2+ release (PMID: 22174035). This variant has been reported in an individual affected with catecholaminergic polymorphic ventricular tachycardia (PMID: 22174035). This variant has been identified in 6/280428 chromosomes in the general population by the Genome Aggregation Database (gnomAD). The available evidence is insufficient to determine the role of this variant in disease conclusively. Therefore, this variant is classified as a Variant of Uncertain Significance.

This study involves interpretation of variants in research participants for the purpose of population health screening. Participant phenotype was not available at the time of variant classification. Additional details can be found in publication PMID: 35346344, PMCID: PMC8962531

Fulgent Genetics
Classification: Uncertain significance for Ventricular arrhythmias due to cardiac ryanodine receptor calcium release deficiency syndrome; Catecholaminergic polymorphic ventricular tachycardia 1. Last evaluated: 2021-09-30. Review status: criteria provided, single submitter. Criteria: ACMG Guidelines, 2015. Collection method: clinical testing. Allele origin: unknown.

GeneDx
Classification: Uncertain significance. Last evaluated: 2018-03-29. Review status: criteria provided, single submitter. Criteria: GeneDx Variant Classification (06012015). Collection method: clinical testing. Allele origin: germline. Affected: yes.
Comment: The S406L variant in the RYR2 gene has been reported previously in an individual with familial catecholaminergic polymorphic ventricular tachycardia (CPVT); however, familial segregation information was not included (Jung et al., 2012). The S406L variant is observed in 2/18854 (0.012%) alleles from individuals of East Asian background and 5/276920 total alleles in large population cohorts (Lek et al., 2016). The S406L variant is a non-conservative amino acid substitution, which is likely to impact secondary protein structure as these residues differ in polarity, charge, size and/or other properties. In-silico analyses, including protein predictors and evolutionary conservation, support a deleterious effect. We interpret S406L as a variant of uncertain significance.

Literature cited by the submitters: PubMed 22174035 (cited by 3 submitters).

NM_001035.3(RYR2):c.1217C>T (p.Ser406Leu)

Gene: RYR2 (ryanodine receptor 2; plus strand). Cytogenetic location: 1q43.
Variant type: single nucleotide variant.
Coding change: c.1217C>T on transcript NM_001035.3 (MANE Select); coding-DNA position 1217, C replaced by T.
Protein change: p.Ser406Leu; replaces serine 406 with leucine.
Molecular consequence: missense variant.
Genome position (GRCh38, 1-based): chr1:237,445,447, C>T. VCF-style: chr1-237445447-C-T. GRCh37 (hg19) VCF-style: chr1-237608747-C-T.
Other names: c.1217C>T, p.Ser406Leu (LRG_402t1); short protein forms S406L.
Identifiers: ClinVar variation 449305 (VCV000449305.17), dbSNP rs759830423, ClinGen allele CA085140.